The following is an entry in ClinVar:

NM_000052.7(ATP7A):c.914T>C (p.Val305Ala)

Gene: ATP7A (ATPase copper transporting alpha; plus strand). Cytogenetic location: Xq21.1.
Variant type: single nucleotide variant.
Coding change: c.914T>C on transcript NM_000052.7 (MANE Select); coding-DNA position 914, T replaced by C.
Protein change: p.Val305Ala; replaces valine 305 with alanine.
Molecular consequence: missense variant.
Genome position (GRCh38, 1-based): chrX:77,989,536, T>C. VCF-style: chrX-77989536-T-C. GRCh37 (hg19) VCF-style: chrX-77245032-T-C.
Other names: c.914T>C, p.Val305Ala (NM_001282224.2); short protein forms V305A.
Identifiers: ClinVar variation 4789437 (VCV004789437.1).
Genomic context (GRCh38, chrX:77,989,536, plus strand): 5'-GCATGCATTGTAAATCATGTGTGTCAAATATTGAAAGTACTTTATCTGCACTCCAATATG[T>C]AAGCAGCATAGTAGTTTCTTTAGAGAATAGGTCTGCCATTGTGAAGTATAATGCAAGCTC-3'
Protein context (NP_000043.4, residues 295-315): IESTLSALQY[Val305Ala]SSIVVSLENR

ClinVar aggregate classification (germline): Uncertain significance (1 of 4 stars; one submission).

Conditions:
Menkes kinky-hair syndrome (MNK). Also called: Menkes Disease; Copper transport disease; Classic Menkes Disease. Identifiers: Orphanet 565, MedGen C0022716, MONDO:0010651, OMIM 309400.
Cutis laxa, X-linked (OHS). Also called: EDS IX; Occipital horn syndrome. Identifiers: Orphanet 198, MedGen C0268353, MONDO:0010572, OMIM 304150.
X-linked distal spinal muscular atrophy type 3. Also called: ATP7A-Related Distal Motor Neuropathy; SPINAL MUSCULAR ATROPHY, DISTAL, X-LINKED RECESSIVE; NEURONOPATHY, DISTAL HEREDITARY MOTOR, X-LINKED; NEUROPATHY, DISTAL HEREDITARY MOTOR, X-LINKED. Identifiers: Orphanet 139557, MedGen C1845359, MONDO:0010338, OMIM 300489.

gnomAD v4.1: 1 of 1,211,671 alleles (0.000083%); highest among the groups gnomAD compares: Non-Finnish European, 0.00011%; no homozygotes.

Submission:

Labcorp Genetics (formerly Invitae), Labcorp
Classification: Uncertain significance for X-linked distal spinal muscular atrophy type 3; Cutis laxa, X-linked; Menkes kinky-hair syndrome. Last evaluated: 2025-10-01. Review status: criteria provided, single submitter. Criteria: Invitae Variant Classification Sherloc (09022015). Collection method: clinical testing. Allele origin: germline.
Comment: This sequence change replaces valine, which is neutral and non-polar, with alanine, which is neutral and non-polar, at codon 305 of the ATP7A protein (p.Val305Ala). This variant is not present in population databases (gnomAD no frequency). This variant has not been reported in the literature in individuals affected with ATP7A-related conditions. Invitae Evidence Modeling of protein sequence and biophysical properties (such as structural, functional, and spatial information, amino acid conservation, physicochemical variation, residue mobility, and thermodynamic stability) indicates that this missense variant is not expected to disrupt ATP7A protein function with a negative predictive value of 95%. In summary, the available evidence is currently insufficient to determine the role of this variant in disease. Therefore, it has been classified as a Variant of Uncertain Significance.